The following is an entry in ClinVar:

NM_005689.4(ABCB6):c.2516C>T (p.Thr839Ile)

Gene: ABCB6 (ATP binding cassette subfamily B member 6 (LAN blood group); minus strand). Cytogenetic location: 2q35.
Variant type: single nucleotide variant.
Coding change: c.2516C>T on transcript NM_005689.4 (MANE Select); coding-DNA position 2516, C replaced by T.
Protein change: p.Thr839Ile; replaces threonine 839 with isoleucine.
Molecular consequence: missense variant.
Genome position (GRCh38, 1-based): chr2:219,209,951, G>A on the plus strand (C>T on the coding strand, the complement: ABCB6 is on the minus strand). VCF-style: chr2-219209951-G-A. GRCh37 (hg19) VCF-style: chr2-220074673-G-A.
Other names: c.2378C>T, p.Thr793Ile (NM_001349828.2); short protein forms T793I, T839I.
Identifiers: ClinVar variation 4738527 (VCV004738527.1).
Genomic context (GRCh38, chr2:219,209,951, plus strand): 5'-TATTCCCTTCTGGGTTAGTCTTTGAGAGGGAAGTGGCCAAACTTTTGTCACCGTTCCATG[G>A]TCTGAGGCTTAGTGTCTTCAGAGGTTTCTTCCTGTCCCTGCTGCAGCTGCCACATGTCAG-3'
Protein context (NP_005680.1, residues 829-842): EETSEDTKPQ[Thr839Ile]MER

ClinVar aggregate classification (germline): Uncertain significance (1 of 4 stars; one submission).

Submission:

Labcorp Genetics (formerly Invitae), Labcorp
Classification: Uncertain significance. Last evaluated: 2025-12-01. Review status: criteria provided, single submitter. Criteria: Invitae Variant Classification Sherloc (09022015). Collection method: clinical testing. Allele origin: germline.
Comment: This sequence change replaces threonine, which is neutral and polar, with isoleucine, which is neutral and non-polar, at codon 839 of the ABCB6 protein (p.Thr839Ile). This variant is present in population databases (rs199873911, gnomAD 0.006%). This variant has not been reported in the literature in individuals affected with ABCB6-related conditions. An algorithm developed to predict the effect of missense changes on protein structure and function (PolyPhen-2) suggests that this variant is likely to be tolerated. In summary, the available evidence is currently insufficient to determine the role of this variant in disease. Therefore, it has been classified as a Variant of Uncertain Significance.